The following is an entry in ClinVar:

NM_017763.6(RNF43):c.1705C>G (p.Pro569Ala)

Gene: RNF43 (ring finger protein 43; minus strand). Cytogenetic location: 17q22.
Variant type: single nucleotide variant.
Coding change: c.1705C>G on transcript NM_017763.6 (MANE Select); coding-DNA position 1705, C replaced by G.
Protein change: p.Pro569Ala; replaces proline 569 with alanine.
Molecular consequence: missense variant.
Genome position (GRCh38, 1-based): chr17:58,358,071, G>C on the plus strand (C>G on the coding strand, the complement: RNF43 is on the minus strand). VCF-style: chr17-58358071-G-C. GRCh37 (hg19) VCF-style: chr17-56435432-G-C.
Other names: c.1705C>G, p.Pro569Ala (NM_001305544.3, NM_001438820.1, NM_001438821.1 and 1 more transcripts); c.1324C>G, p.Pro442Ala (NM_001305545.2, NM_001437987.1); short protein forms P442A, P569A.
Identifiers: ClinVar variation 4578974 (VCV004578974.1).

ClinVar aggregate classification (germline): Uncertain significance (1 of 4 stars; one submission).

Submission:

Ambry Genetics
Classification: Uncertain significance. Last evaluated: 2025-10-22. Review status: criteria provided, single submitter. Criteria: Ambry Variant Classification Scheme 2023. Collection method: clinical testing. Allele origin: germline.
Comment: The p.P569A variant (also known as c.1705C>G), located in coding exon 8 of the RNF43 gene, results from a C to G substitution at nucleotide position 1705. The proline at codon 569 is replaced by alanine, an amino acid with highly similar properties. This amino acid position is conserved. In addition, this alteration is predicted to be tolerated by in silico analysis. Based on the available evidence, the clinical significance of this variant remains unclear.